The following is an entry in ClinVar:

ClinVar aggregate classification (germline): Uncertain significance (1 of 4 stars; one submission).

gnomAD v4.1: 1 of 1,610,930 alleles (0.000062%); highest among the groups gnomAD compares: Non-Finnish European, 0.000085%; no homozygotes.

Submission:

GeneDx
Classification: Uncertain significance. Last evaluated: 2024-10-08. Review status: criteria provided, single submitter. Criteria: GeneDx Variant Classification Process June 2021. Collection method: clinical testing. Allele origin: germline. Affected: yes.
Comment: Not observed at significant frequency in large population cohorts (gnomAD); In silico analysis supports that this missense variant has a deleterious effect on protein structure/function; Has not been previously published as pathogenic or benign to our knowledge

NM_001089.3(ABCA3):c.3467C>T (p.Pro1156Leu)

Gene: ABCA3 (ATP binding cassette subfamily A member 3; minus strand). Cytogenetic location: 16p13.3.
Variant type: single nucleotide variant.
Coding change: c.3467C>T on transcript NM_001089.3 (MANE Select); coding-DNA position 3467, C replaced by T.
Protein change: p.Pro1156Leu; replaces proline 1156 with leucine.
Molecular consequence: missense variant.
Genome position (GRCh38, 1-based): chr16:2,285,458, G>A on the plus strand (C>T on the coding strand, the complement: ABCA3 is on the minus strand). VCF-style: chr16-2285458-G-A. GRCh37 (hg19) VCF-style: chr16-2335459-G-A.
Other names: short protein forms P1156L.
Identifiers: ClinVar variation 3777589 (VCV003777589.1).
Genomic context (GRCh38, chr16:2,285,458, plus strand): 5'-CTGCGGTCTGCAGGGGAACGGATCCAGCACCCTCCGGCGCTCACCAGCAGCAGCAGACTG[G>A]GGATGAGGAAGGAGATGAGGTCCCACAGCAGAGCAGAGAGCCAGAAACTGGCCACGTGGA-3'
Protein context (NP_001080.2, residues 1146-1166): LLWDLISFLI[Pro1156Leu]SLLLLVVFKA